The following is an entry in ClinVar:

NM_000384.3(APOB):c.11960A>G (p.His3987Arg)

Gene: APOB (apolipoprotein B; minus strand). Cytogenetic location: 2p24.1.
Variant type: single nucleotide variant.
Coding change: c.11960A>G on transcript NM_000384.3 (MANE Select); coding-DNA position 11960, A replaced by G.
Protein change: p.His3987Arg; replaces histidine 3987 with arginine.
Molecular consequence: missense variant.
Genome position (GRCh38, 1-based): chr2:21,004,396, T>C on the plus strand (A>G on the coding strand, the complement: APOB is on the minus strand). VCF-style: chr2-21004396-T-C. GRCh37 (hg19) VCF-style: chr2-21227268-T-C.
Other names: short protein forms H3987R.
Identifiers: ClinVar variation 4125886 (VCV004125886.2).

ClinVar aggregate classification (germline): Uncertain significance (1 of 4 stars; one submission).

Conditions:
Cardiovascular phenotype. Identifiers: MedGen CN230736.

Submission:

Ambry Genetics
Classification: Uncertain significance for Cardiovascular phenotype. Last evaluated: 2026-09-11. Review status: criteria provided, single submitter. Criteria: Ambry Variant Classification Scheme 2023. Collection method: clinical testing. Allele origin: germline.
Comment: The p.H3987R variant (also known as c.11960A>G), located in coding exon 28 of the APOB gene, results from an A to G substitution at nucleotide position 11960. The histidine at codon 3987 is replaced by arginine, an amino acid with highly similar properties. This amino acid position is conserved. In addition, this alteration is predicted to be tolerated by in silico analysis. Based on the available evidence, the clinical significance of this variant remains unclear.